The following is an entry in ClinVar:

NM_001165963.4(SCN1A):c.3330T>C (p.Ser1110=)

Genes: SCN1A (sodium voltage-gated channel alpha subunit 1; minus strand), LOC102724058 (uncharacterized LOC102724058; plus strand). Cytogenetic location: 2q24.3.
Variant type: single nucleotide variant.
Coding change: c.3330T>C on transcript NM_001165963.4 (MANE Select); coding-DNA position 3330, T replaced by C.
Protein change: p.Ser1110=; no amino-acid change (serine 1110 retained).
Molecular consequence: synonymous variant. On other transcripts: non-coding transcript variant (2).
Genome position (GRCh38, 1-based): chr2:166,036,147, A>G on the plus strand (T>C on the coding strand, the complement: SCN1A is on the minus strand). VCF-style: chr2-166036147-A-G. GRCh37 (hg19) VCF-style: chr2-166892657-A-G.
Other names: p.S1110S:AGT>AGC; c.3246T>C, p.Ser1082= (NM_001165964.3, NM_001353957.2, NM_001353958.2); c.3330T>C, p.Ser1110= (NM_001202435.3, NM_001353948.2); c.3297T>C, p.Ser1099= (NM_001353949.2, NM_001353950.2, NM_001353951.2 and 2 more transcripts); c.3294T>C, p.Ser1098= (NM_001353954.2, NM_001353955.2); c.3243T>C, p.Ser1081= (NM_001353960.2); c.888T>C, p.Ser296= (NM_001353961.2).
Identifiers: ClinVar variation 138976 (VCV000138976.12), dbSNP rs587781145, ClinGen allele CA293167.

ClinVar aggregate classification (germline): Benign/Likely benign. Review status: criteria provided, multiple submitters, no conflicts (2 of 4 stars). 2 submissions from 2 submitters: Benign (1); Likely benign (1). Last evaluated 2025-09-27.

Conditions:
Early-infantile DEE. Also called: Early infantile epileptic encephalopathy with suppression bursts; Ohtahara syndrome; Early infantile epileptic encephalopathy. Identifiers: Orphanet 1934, MedGen C0393706, MONDO:0800491.

Allele frequency attached by ClinVar (database versions not stated): gnomAD 0.00001; ExAC 0.00002; gnomAD exomes 0.00002 and 0.00005; TOPMed 0.00004.
gnomAD v4.1: 34 of 1,613,864 alleles (0.0021%); highest among the groups gnomAD compares: South Asian, 0.033%; 1 homozygote.

Submissions (2):

Labcorp Genetics (formerly Invitae), Labcorp
Classification: Likely benign for Early-infantile DEE. Last evaluated: 2025-09-27. Review status: criteria provided, single submitter. Criteria: Invitae Variant Classification Sherloc (09022015). Collection method: clinical testing. Allele origin: germline.

GeneDx
Classification: Benign. Last evaluated: 2014-02-18. Review status: criteria provided, single submitter. Criteria: GeneDx Variant Classification (06012015). Collection method: clinical testing. Allele origin: germline. Affected: yes.
Comment: This variant is considered likely benign or benign based on one or more of the following criteria: it is a conservative change, it occurs at a poorly conserved position in the protein, it is predicted to be benign by multiple in silico algorithms, and/or has population frequency not consistent with disease.